The following is an entry in ClinVar:

NM_002485.5(NBN):c.1291C>T (p.Leu431Phe)

Gene: NBN (nibrin; minus strand). Cytogenetic location: 8q21.3.
Variant type: single nucleotide variant.
Coding change: c.1291C>T on transcript NM_002485.5 (MANE Select); coding-DNA position 1291, C replaced by T.
Protein change: p.Leu431Phe; replaces leucine 431 with phenylalanine.
Molecular consequence: missense variant.
Genome position (GRCh38, 1-based): chr8:89,955,389, G>A on the plus strand (C>T on the coding strand, the complement: NBN is on the minus strand). VCF-style: chr8-89955389-G-A. GRCh37 (hg19) VCF-style: chr8-90967617-G-A.
Other names: c.1045C>T, p.Leu349Phe (NM_001024688.3); short protein forms L431F, L349F.
Identifiers: ClinVar variation 1359987 (VCV001359987.8), dbSNP rs1586058701, ClinGen allele CA371656182.

ClinVar aggregate classification (germline): Uncertain significance (1 of 4 stars; one submission).

Conditions:
Microcephaly, normal intelligence and immunodeficiency (NBS). Also called: IMMUNODEFICIENCY, MICROCEPHALY, AND CHROMOSOMAL INSTABILITY; Immunodeficiency, microcephaly with normal intelligence; SEEMANOVA SYNDROME II; Ataxia telangiectasia variant V1; Microcephaly with normal intelligence immunodeficiency and lymphoreticular malignancies; Nonsyndromal microcephaly autosomal recessive with normal intelligence. Identifiers: Orphanet 647, MedGen C0398791, MONDO:0009623, OMIM 251260.

Submission:

Labcorp Genetics (formerly Invitae), Labcorp
Classification: Uncertain significance for Microcephaly, normal intelligence and immunodeficiency. Last evaluated: 2021-05-20. Review status: criteria provided, single submitter. Criteria: Invitae Variant Classification Sherloc (09022015). Collection method: clinical testing. Allele origin: germline.
Comment: In summary, the available evidence is currently insufficient to determine the role of this variant in disease. Therefore, it has been classified as a Variant of Uncertain Significance. Algorithms developed to predict the effect of missense changes on protein structure and function are either unavailable or do not agree on the potential impact of this missense change (SIFT: "Tolerated"; PolyPhen-2: "Probably Damaging"; Align-GVGD: "Class C0"). This variant has not been reported in the literature in individuals with NBN-related conditions. This variant is not present in population databases (ExAC no frequency). This sequence change replaces leucine with phenylalanine at codon 431 of the NBN protein (p.Leu431Phe). The leucine residue is moderately conserved and there is a small physicochemical difference between leucine and phenylalanine.